The following is an entry in ClinVar:

NM_032608.7(MYO18B):c.3161T>C (p.Leu1054Pro)

Gene: MYO18B (myosin XVIIIB; plus strand). Cytogenetic location: 22q12.1.
Variant type: single nucleotide variant.
Coding change: c.3161T>C on transcript NM_032608.7 (MANE Select); coding-DNA position 3161, T replaced by C.
Protein change: p.Leu1054Pro; replaces leucine 1054 with proline.
Molecular consequence: missense variant.
Genome position (GRCh38, 1-based): chr22:25,835,396, T>C. VCF-style: chr22-25835396-T-C. GRCh37 (hg19) VCF-style: chr22-26231363-T-C.
Other names: c.3164T>C, p.Leu1055Pro (NM_001318245.2); short protein forms L1054P, L1055P.
Identifiers: ClinVar variation 1448769 (VCV001448769.5), dbSNP rs765870937, ClinGen allele CA10160469.
Genomic context (GRCh38, chr22:25,835,396, plus strand): 5'-GCCTTTTCTGGGTCTTAGATGAGGAAGTCCATGTAGAGGGCTCCAGTGACAGTGTGGTGC[T>C]CGAGCGTCTGTGTGCTGCTTTCGAGAAGAAAGGAGCTGGGACTGAAGGTAAGGAAGCAGG-3'
Protein context (NP_115997.5, residues 1044-1064): HVEGSSDSVV[Leu1054Pro]ERLCAAFEKK

ClinVar aggregate classification (germline): Uncertain significance. Review status: criteria provided, multiple submitters, no conflicts (2 of 4 stars). 2 submissions from 2 submitters: Uncertain significance (2). Last evaluated 2022-04-07.

Conditions:
Klippel-Feil anomaly-myopathy-facial dysmorphism syndrome. Also called: Klippel-feil syndrome 4, autosomal recessive, with nemaline myopathy and facial dysmorphism; Klippel-Feil syndrome 4, autosomal recessive, with myopathy and facial dysmorphism. Identifiers: Orphanet 447974, MedGen C4225285, MONDO:0014689, OMIM 616549.

Allele frequency attached by ClinVar (database versions not stated): gnomAD exomes 0.00008 and 0.00011; TOPMed 0.00001; gnomAD 0.00002 and 0.00004; ExAC 0.00008.
gnomAD v4.1: 160 of 1,613,852 alleles (0.0099%); highest among the groups gnomAD compares: East Asian, 0.35%; 1 homozygote.

Submissions (2):

Labcorp Genetics (formerly Invitae), Labcorp
Classification: Uncertain significance. Last evaluated: 2022-04-07. Review status: criteria provided, single submitter. Criteria: Invitae Variant Classification Sherloc (09022015). Collection method: clinical testing. Allele origin: germline.
Comment: This sequence change replaces leucine, which is neutral and non-polar, with proline, which is neutral and non-polar, at codon 1054 of the MYO18B protein (p.Leu1054Pro). This variant is present in population databases (rs765870937, gnomAD 0.1%). This variant has not been reported in the literature in individuals affected with MYO18B-related conditions. Algorithms developed to predict the effect of missense changes on protein structure and function are either unavailable or do not agree on the potential impact of this missense change (SIFT: "Not Available"; PolyPhen-2: "Probably Damaging"; Align-GVGD: "Not Available"). In summary, the available evidence is currently insufficient to determine the role of this variant in disease. Therefore, it has been classified as a Variant of Uncertain Significance.

Juno Genomics, Hangzhou Juno Genomics, Inc
Classification: Uncertain significance for Klippel-Feil anomaly-myopathy-facial dysmorphism syndrome. Review status: criteria provided, single submitter. Criteria: ACMG Guidelines, 2015. Collection method: clinical testing. Allele origin: germline.
Comment: Absent from controls (or at extremely low frequency if recessive) in Genome Aggregation Database.;Multiple lines of computational evidence support a deleterious effect on the gene or gene product.